The following is an entry in ClinVar:

ClinVar aggregate classification (germline): Uncertain significance (1 of 4 stars; one submission).

Submission:

Labcorp Genetics (formerly Invitae), Labcorp
Classification: Uncertain significance. Last evaluated: 2022-02-23. Review status: criteria provided, single submitter. Criteria: Invitae Variant Classification Sherloc (09022015). Collection method: clinical testing. Allele origin: germline.
Comment: This variant is a gross deletion of the genomic region encompassing exon(s) 22 of the PDE6B gene, which includes the termination codon. This deletion extends beyond the assayed region for this gene and therefore may encompass additional genes. While this deletion is not anticipated to lead to nonsense mediated decay, it is expected to alter mRNA translation or result in a truncated protein product. This variant has not been reported in the literature in individuals affected with PDE6B-related conditions. In summary, the available evidence is currently insufficient to determine the role of this variant in disease. Therefore, it has been classified as a Variant of Uncertain Significance. Experimental studies and prediction algorithms are not available or were not evaluated, and the functional significance of this variant is currently unknown.

NC_000004.11:g.(?_663815)_(663896_?)del

Gene: PDE6B (phosphodiesterase 6B; plus strand). Cytogenetic location: 4p16.3.
Variant type: Deletion.
Identifiers: ClinVar variation 2422809 (VCV002422809.4).